The following is an entry in ClinVar:

NM_000540.3(RYR1):c.1790A>G (p.Lys597Arg)

Gene: RYR1 (ryanodine receptor 1; plus strand). Cytogenetic location: 19q13.2.
Variant type: single nucleotide variant.
Coding change: c.1790A>G on transcript NM_000540.3 (MANE Select); coding-DNA position 1790, A replaced by G.
Protein change: p.Lys597Arg; replaces lysine 597 with arginine.
Molecular consequence: missense variant.
Genome position (GRCh38, 1-based): chr19:38,455,750, A>G. VCF-style: chr19-38455750-A-G. GRCh37 (hg19) VCF-style: chr19-38946390-A-G.
Other names: c.1790A>G, p.Lys597Arg (NM_001042723.2); short protein forms K597R.
Identifiers: ClinVar variation 2051525 (VCV002051525.5), dbSNP rs746789089, ClinGen allele CA062394.

ClinVar aggregate classification (germline): Uncertain significance. Review status: criteria provided, multiple submitters, no conflicts (2 of 4 stars). 2 submissions from 2 submitters: Uncertain significance (2). Last evaluated 2023-12-13.

Conditions:
Malignant hyperthermia, susceptibility to, 1 (MHS1). Also called: Anesthesia related hyperthermia; Malignant hyperpyrexia; Fulminating hyperpyrexia; Pharmacogenic myopathy; RYR1-Related Malignant Hyperthermia Susceptibility; Malignant hyperthermia suceptibility 1. Identifiers: Orphanet 423, MedGen C2930980, MONDO:0007783, OMIM 145600.
RYR1-related disorder. Also called: RYR1-related condition; RYR1-related disorders. Identifiers: MedGen CN239331.

Allele frequency attached by ClinVar (database versions not stated): gnomAD exomes below 0.00001; TOPMed 0.00001; ExAC 0.00003.
gnomAD v4.1: 6 of 1,592,058 alleles (0.00038%); highest among the groups gnomAD compares: Admixed American, 0.01%; no homozygotes.

Submissions (2):

Labcorp Genetics (formerly Invitae), Labcorp
Classification: Uncertain significance for RYR1-related disorder. Last evaluated: 2023-12-13. Review status: criteria provided, single submitter. Criteria: Invitae Variant Classification Sherloc (09022015). Collection method: clinical testing. Allele origin: germline.
Comment: This sequence change replaces lysine, which is basic and polar, with arginine, which is basic and polar, at codon 597 of the RYR1 protein (p.Lys597Arg). This variant is present in population databases (rs746789089, gnomAD 0.02%). This variant has not been reported in the literature in individuals affected with RYR1-related conditions. ClinVar contains an entry for this variant (Variation ID: 2051525). An algorithm developed to predict the effect of missense changes on protein structure and function (PolyPhen-2) suggests that this variant is likely to be disruptive. Algorithms developed to predict the effect of sequence changes on RNA splicing suggest that this variant may disrupt the consensus splice site. In summary, the available evidence is currently insufficient to determine the role of this variant in disease. Therefore, it has been classified as a Variant of Uncertain Significance.

All of Us Research Program, National Institutes of Health
Classification: Uncertain significance for Malignant hyperthermia, susceptibility to, 1. Last evaluated: 2023-09-04. Review status: criteria provided, single submitter. Criteria: ACMG Guidelines, 2015. Collection method: clinical testing. Allele origin: germline. Inheritance: Autosomal dominant inheritance. Observed: 1 variant allele, 1 heterozygote.
Comment: This missense variant replaces lysine with arginine at codon 597 of the RYR1 protein. Computational prediction suggests that this variant may have deleterious impact on protein structure and function (internally defined REVEL score threshold >= 0.7, PMID: 27666373). Splice site prediction tools suggest that this variant may impact RNA splicing. To our knowledge, functional studies have not been reported for this variant. This variant has not been reported in individuals affected with autosomal dominant malignant hyperthermia in the literature. This variant has been identified in 8/251288 chromosomes in the general population by the Genome Aggregation Database (gnomAD). Due to insufficient evidence, this variant is classified as a Variant of Uncertain Significance for autosomal dominant malignant hyperthermia.

This study involves interpretation of variants in research participants for the purpose of population health screening. Participant phenotype was not available at the time of variant classification. Additional details can be found in publication PMID: 35346344, PMCID: PMC8962531